The following is an entry in ClinVar:

NM_001818.5(AKR1C4):c.847-8T>C

Gene: AKR1C4 (aldo-keto reductase family 1 member C4; plus strand). Cytogenetic location: 10p15.1.
Variant type: single nucleotide variant.
Coding change: c.847-8T>C on transcript NM_001818.5 (MANE Select); 8 bases into the intron before coding-DNA position 847, T replaced by C.
Molecular consequence: intron variant.
Genome position (GRCh38, 1-based): chr10:5,216,703, T>C. VCF-style: chr10-5216703-T-C. GRCh37 (hg19) VCF-style: chr10-5258666-T-C.
Identifiers: ClinVar variation 3029605 (VCV003029605.2), dbSNP rs1554798541, ClinGen allele CA591432855.

ClinVar aggregate classification (germline): Likely benign (0 of 4 stars; one submission).

Conditions:
AKR1C4-related disorder. Also called: AKR1C4-related condition.

Allele frequency attached by ClinVar (database versions not stated): gnomAD exomes below 0.00001.
gnomAD v4.1: 1 of 1,602,292 alleles (0.000062%); highest among the groups gnomAD compares: Admixed American, 0.0017%; no homozygotes.

Submission:

PreventionGenetics, part of Exact Sciences
Classification: Likely benign for AKR1C4-related condition. Last evaluated: 2021-09-15. Review status: no assertion criteria provided. Collection method: clinical testing. Allele origin: germline.
Comment: This variant is classified as likely benign based on ACMG/AMP sequence variant interpretation guidelines (Richards et al. 2015 PMID: 25741868, with internal and published modifications).